The following is an entry in ClinVar:

ClinVar aggregate classification (germline): Likely pathogenic (1 of 4 stars; one submission).

Conditions:
Fanconi anemia (FA). Also called: Fanconi's anemia. Identifiers: Orphanet 84, MedGen C0015625, MeSH D005199, MONDO:0019391.

gnomAD v4.1: 7 of 1,613,828 alleles (0.00043%); highest among the groups gnomAD compares: Non-Finnish European, 0.00059%; no homozygotes.

Submission:

Labcorp Genetics (formerly Invitae), Labcorp
Classification: Likely pathogenic for Fanconi anemia. Last evaluated: 2023-12-01. Review status: criteria provided, single submitter. Criteria: Invitae Variant Classification Sherloc (09022015). Collection method: clinical testing. Allele origin: germline.
Comment: This sequence change affects a donor splice site in intron 28 of the FANCI gene. It is expected to disrupt RNA splicing. Variants that disrupt the donor or acceptor splice site typically lead to a loss of protein function (PMID: 16199547), and loss-of-function variants in FANCI are known to be pathogenic (PMID: 17452773, 17460694). This variant is not present in population databases (gnomAD no frequency). This variant has not been reported in the literature in individuals affected with FANCI-related conditions. Algorithms developed to predict the effect of sequence changes on RNA splicing suggest that this variant may disrupt the consensus splice site. In summary, the currently available evidence indicates that the variant is pathogenic, but additional data are needed to prove that conclusively. Therefore, this variant has been classified as Likely Pathogenic.

Literature cited by the submitters: PubMed 16199547; PubMed 17452773; PubMed 17460694.

NM_001113378.2(FANCI):c.3058+1G>C

Gene: FANCI (FA complementation group I; plus strand). Cytogenetic location: 15q26.1.
Variant type: single nucleotide variant.
Coding change: c.3058+1G>C on transcript NM_001113378.2 (MANE Select); the canonical splice donor site of the intron after coding-DNA position 3058, G replaced by C.
Molecular consequence: splice donor variant.
Genome position (GRCh38, 1-based): chr15:89,303,916, G>C. VCF-style: chr15-89303916-G-C. GRCh37 (hg19) VCF-style: chr15-89847147-G-C.
Other names: c.2878+1G>C (NM_018193.3); c.3058+1G>C (NM_001376911.1); c.2779+1G>C (NM_001376910.1).
Identifiers: ClinVar variation 2884042 (VCV002884042.3), dbSNP rs149464307, ClinGen allele CA393738847.
Genomic context (GRCh38, chr15:89,303,916, plus strand): 5'-TAATTTAGTTTGTGCAGATGTTATCCTGGACATCAAAGATTTGCAAGGAAAACAGCCGGG[G>C]TAAGTTTACTGCCATGTTTTCCTAAAGGCTTTATATAAAATCACTATCCTCCAGTGGCAT-3'